The following is an entry in ClinVar:

ClinVar aggregate classification (germline): Uncertain significance. Review status: criteria provided, multiple submitters, no conflicts (2 of 4 stars). 3 submissions from 3 submitters: Uncertain significance (3). Last evaluated 2025-02-12.

Conditions:
Nephronophthisis-like nephropathy 1 (NPHPL1). Identifiers: Orphanet 655, MedGen C3150419, MONDO:0013163, OMIM 613159.
Inborn genetic diseases. Identifiers: MedGen C0950123, MeSH D030342.

Allele frequency attached by ClinVar (database versions not stated): TOPMed below 0.00001; gnomAD 0.00001; gnomAD exomes 0.00001.
gnomAD v4.1: 12 of 1,614,062 alleles (0.00074%); highest among the groups gnomAD compares: Non-Finnish European, 0.00093%; no homozygotes.

Submissions (3):

Ambry Genetics
Classification: Uncertain significance for Inborn genetic diseases. Last evaluated: 2025-02-12. Review status: criteria provided, single submitter. Criteria: Ambry Variant Classification Scheme 2023. Collection method: clinical testing. Allele origin: germline.

Fulgent Genetics
Classification: Uncertain significance for Nephronophthisis-like nephropathy 1. Last evaluated: 2024-02-05. Review status: criteria provided, single submitter. Criteria: ACMG Guidelines, 2015. Collection method: clinical testing. Allele origin: germline.

Labcorp Genetics (formerly Invitae), Labcorp
Classification: Uncertain significance for Nephronophthisis-like nephropathy 1. Last evaluated: 2019-06-03. Review status: criteria provided, single submitter. Criteria: Invitae Variant Classification Sherloc (09022015). Collection method: clinical testing. Allele origin: germline.
Comment: In summary, the available evidence is currently insufficient to determine the role of this variant in disease. Therefore, it has been classified as a Variant of Uncertain Significance. Algorithms developed to predict the effect of missense changes on protein structure and function are either unavailable or do not agree on the potential impact of this missense change (SIFT: "Tolerated"; PolyPhen-2: "Probably Damaging"; Align-GVGD: "Class C0"). This variant has not been reported in the literature in individuals with XPNPEP3-related conditions. This variant is not present in population databases (ExAC no frequency). This sequence change replaces histidine with arginine at codon 420 of the XPNPEP3 protein (p.His420Arg). The histidine residue is highly conserved and there is a small physicochemical difference between histidine and arginine.

NM_022098.4(XPNPEP3):c.1259A>G (p.His420Arg)

Gene: XPNPEP3 (X-prolyl aminopeptidase 3; plus strand). Cytogenetic location: 22q13.2.
Variant type: single nucleotide variant.
Coding change: c.1259A>G on transcript NM_022098.4 (MANE Select); coding-DNA position 1259, A replaced by G.
Protein change: p.His420Arg; replaces histidine 420 with arginine.
Molecular consequence: missense variant.
Genome position (GRCh38, 1-based): chr22:40,924,384, A>G. VCF-style: chr22-40924384-A-G. GRCh37 (hg19) VCF-style: chr22-41320388-A-G.
Other names: short protein forms H420R.
Identifiers: ClinVar variation 940054 (VCV000940054.11), dbSNP rs952458657, ClinGen allele CA324450558.